The following is an entry in ClinVar:

ClinVar aggregate classification (germline): Uncertain significance. Review status: criteria provided, multiple submitters, no conflicts (2 of 4 stars). 2 submissions from 2 submitters: Uncertain significance (2). Last evaluated 2024-11-20.

Conditions:
Pulmonary fibrosis and/or bone marrow failure, Telomere-related, 3. Also called: PULMONARY FIBROSIS AND/OR BONE MARROW FAILURE SYNDROME, TELOMERE-RELATED, 3. Identifiers: Orphanet 2032, MedGen C4225346, MONDO:0014613, OMIM 616373.
Dyskeratosis congenita, autosomal recessive 5 (DKCB5). Identifiers: MedGen C3554656, MONDO:0014076, OMIM 615190.
Inborn genetic diseases. Identifiers: MedGen C0950123, MeSH D030342.

Submissions (2):

Ambry Genetics
Classification: Uncertain significance for Inborn genetic diseases. Last evaluated: 2024-11-20. Review status: criteria provided, single submitter. Criteria: Ambry Variant Classification Scheme 2023. Collection method: clinical testing. Allele origin: germline.
Comment: The p.L1079V variant (also known as c.3235C>G), located in coding exon 31 of the RTEL1 gene, results from a C to G substitution at nucleotide position 3235. The leucine at codon 1079 is replaced by valine, an amino acid with highly similar properties. This amino acid position is conserved. In addition, this alteration is predicted to be tolerated by in silico analysis. Based on the available evidence, the clinical significance of this variant remains unclear.

Labcorp Genetics (formerly Invitae), Labcorp
Classification: Uncertain significance for Dyskeratosis congenita, autosomal recessive 5; Pulmonary fibrosis and/or bone marrow failure, Telomere-related, 3. Last evaluated: 2022-03-12. Review status: criteria provided, single submitter. Criteria: Invitae Variant Classification Sherloc (09022015). Collection method: clinical testing. Allele origin: germline.
Comment: This sequence change replaces leucine, which is neutral and non-polar, with valine, which is neutral and non-polar, at codon 1079 of the RTEL1 protein (p.Leu1079Val). This variant is not present in population databases (gnomAD no frequency). This variant has not been reported in the literature in individuals affected with RTEL1-related conditions. Algorithms developed to predict the effect of missense changes on protein structure and function are either unavailable or do not agree on the potential impact of this missense change (SIFT: "Tolerated"; PolyPhen-2: "Possibly Damaging"; Align-GVGD: "Class C0"). In summary, the available evidence is currently insufficient to determine the role of this variant in disease. Therefore, it has been classified as a Variant of Uncertain Significance.

NM_001283009.2(RTEL1):c.3235C>G (p.Leu1079Val)

Genes: RTEL1 (regulator of telomere elongation helicase 1; plus strand), RTEL1-TNFRSF6B (RTEL1-TNFRSF6B readthrough (NMD candidate); plus strand). Cytogenetic location: 20q13.33.
Variant type: single nucleotide variant.
Coding change: c.3235C>G on transcript NM_001283009.2 (MANE Select); coding-DNA position 3235, C replaced by G.
Protein change: p.Leu1079Val; replaces leucine 1079 with valine.
Molecular consequence: missense variant. On other transcripts: non-coding transcript variant (1).
Genome position (GRCh38, 1-based): chr20:63,694,866, C>G. VCF-style: chr20-63694866-C-G. GRCh37 (hg19) VCF-style: chr20-62326219-C-G.
Other names: c.2566C>G, p.Leu856Val (NM_001283010.1); c.3235C>G, p.Leu1079Val (NM_016434.4); c.3307C>G, p.Leu1103Val (NM_032957.5); short protein forms L856V, L1079V, L1103V.
Identifiers: ClinVar variation 2181781 (VCV002181781.2), dbSNP rs766412088, ClinGen allele CA409685017.